The following is an entry in ClinVar:

NM_004656.4(BAP1):c.1553G>A (p.Arg518Gln)

Gene: BAP1 (BRCA1 associated deubiquitinase 1; minus strand). Cytogenetic location: 3p21.1.
Variant type: single nucleotide variant.
Coding change: c.1553G>A on transcript NM_004656.4 (MANE Select); coding-DNA position 1553, G replaced by A.
Protein change: p.Arg518Gln; replaces arginine 518 with glutamine.
Molecular consequence: missense variant.
Genome position (GRCh38, 1-based): chr3:52,403,592, C>T on the plus strand (G>A on the coding strand, the complement: BAP1 is on the minus strand). VCF-style: chr3-52403592-C-T. GRCh37 (hg19) VCF-style: chr3-52437608-C-T.
Other names: c.1553G>A (LRG_529t1); short protein forms R518Q.
Identifiers: ClinVar variation 485247 (VCV000485247.22), dbSNP rs535796204, ClinGen allele CA2436775.

ClinVar aggregate classification (germline): Uncertain significance. Review status: criteria provided, multiple submitters, no conflicts (2 of 4 stars). 6 submissions from 6 submitters: Uncertain significance (6). Last evaluated 2026-04-15.

Conditions:
Hereditary cancer-predisposing syndrome. Also called: Tumor predisposition; Hereditary neoplastic syndrome; Neoplastic Syndromes, Hereditary; Hereditary Cancer Syndrome. Identifiers: Orphanet 140162, MedGen C0027672, MeSH D009386, MONDO:0015356.
BAP1-related tumor predisposition syndrome (TPDS1). Also called: Tumor susceptibility linked to germline BAP1 mutations; COMMON Syndrome; TUMOR PREDISPOSITION SYNDROME 1; BAP1 tumor predisposition syndrome. Identifiers: Orphanet 289539, MedGen C3280492, MONDO:0013692, OMIM 614327.
Melanoma, uveal, susceptibility to, 2 (UVM2). Also called: Melanoma, uveal 2. Identifiers: Orphanet 39044, MedGen C1847723, MONDO:0011696, OMIM 606661.
Kury-Isidor syndrome (KURIS). Identifiers: MedGen C5676925, MONDO:0859230, OMIM 619762.

Allele frequency attached by ClinVar (database versions not stated): gnomAD 0.00001 and 0.00003; gnomAD exomes 0.00002 and 0.00001; TOPMed 0.00003; 1000 Genomes Project 30x 0.00016; 1000 Genomes Project 0.00020; ExAC 0.00002.

Submissions (6):

Ambry Genetics
Classification: Uncertain significance for Hereditary cancer-predisposing syndrome. Last evaluated: 2026-04-15. Review status: criteria provided, single submitter. Criteria: Ambry Variant Classification Scheme 2023. Collection method: clinical testing. Allele origin: germline.
Comment: The p.R518Q variant (also known as c.1553G>A), located in coding exon 13 of the BAP1 gene, results from a G to A substitution at nucleotide position 1553. The arginine at codon 518 is replaced by glutamine, an amino acid with highly similar properties. This variant was reported in individual(s) with features consistent with BAP1-related tumor predisposition syndrome; however, was also identified in multiple individuals with no reported features of this condition (Ambry internal data). This alteration was functional/non-functional in a high throughput genome editing haploid cell survival functional assay (Waters AJ et al. Nat Genet, 2024 Jul;56:1434-1445). This amino acid position is highly conserved in available vertebrate species. In addition, the in silico prediction for this alteration is inconclusive. Based on the available evidence, the clinical significance of this variant remains unclear.

Labcorp Genetics (formerly Invitae), Labcorp
Classification: Uncertain significance for BAP1-related tumor predisposition syndrome. Last evaluated: 2025-07-02. Review status: criteria provided, single submitter. Criteria: Invitae Variant Classification Sherloc (09022015). Collection method: clinical testing. Allele origin: germline.
Comment: This sequence change replaces arginine, which is basic and polar, with glutamine, which is neutral and polar, at codon 518 of the BAP1 protein (p.Arg518Gln). This variant is present in population databases (rs535796204, gnomAD 0.007%). This missense change has been observed in individual(s) with breast and/or ovarian cancer (PMID: 30306255). ClinVar contains an entry for this variant (Variation ID: 485247). Invitae Evidence Modeling of protein sequence and biophysical properties (such as structural, functional, and spatial information, amino acid conservation, physicochemical variation, residue mobility, and thermodynamic stability) indicates that this missense variant is not expected to disrupt BAP1 protein function with a negative predictive value of 80%. In summary, the available evidence is currently insufficient to determine the role of this variant in disease. Therefore, it has been classified as a Variant of Uncertain Significance.

Color Diagnostics, LLC DBA Color Health
Classification: Uncertain significance for Hereditary cancer-predisposing syndrome. Last evaluated: 2024-11-26. Review status: criteria provided, single submitter. Criteria: ACMG Guidelines, 2015. Collection method: clinical testing. Allele origin: germline.
Comment: This missense variant replaces arginine with glutamine at codon 518 of the BAP1 protein. Computational prediction suggests that this variant may not impact protein structure and function. To our knowledge, functional studies have not been reported for this variant. This variant has not been reported in individuals affected with BAP1-related disorders in the literature. This variant has been identified in 4/251086 chromosomes in the general population by the Genome Aggregation Database (gnomAD). The available evidence is insufficient to determine the role of this variant in disease conclusively. Therefore, this variant is classified as a Variant of Uncertain Significance.

Fulgent Genetics
Classification: Uncertain significance for Melanoma, uveal, susceptibility to, 2; BAP1-related tumor predisposition syndrome; Kury-Isidor syndrome. Last evaluated: 2024-01-26. Review status: criteria provided, single submitter. Criteria: ACMG Guidelines, 2015. Collection method: clinical testing. Allele origin: germline.

GeneDx
Classification: Uncertain significance. Last evaluated: 2023-10-05. Review status: criteria provided, single submitter. Criteria: GeneDx Variant Classification Process June 2021. Collection method: clinical testing. Allele origin: germline. Affected: yes.
Comment: Not observed at significant frequency in large population cohorts (gnomAD); In silico analysis supports that this missense variant does not alter protein structure/function; This variant is associated with the following publications: (PMID: 30306255)

Baylor Genetics
Classification: Uncertain significance for BAP1-related tumor predisposition syndrome. Last evaluated: 2023-09-14. Review status: criteria provided, single submitter. Criteria: ACMG Guidelines, 2015. Collection method: clinical testing. Allele origin: unknown.

Literature cited by the submitters: PubMed 30306255 (cited by Ambry Genetics and Labcorp Genetics (formerly Invitae), Labcorp); PubMed 38969833 (cited by Ambry Genetics).